The following is an entry in ClinVar:

ClinVar aggregate classification (germline): Pathogenic. Review status: reviewed by expert panel (3 of 4 stars). 6 submissions from 6 submitters: Pathogenic (1). 5 of the submissions do not count toward it. Last evaluated 2022-05-18.

Conditions:
DICER1-related tumor predisposition. Also called: DICER1-related pleuropulmonary blastoma cancer predisposition syndrome; DICER1 syndrome. Identifiers: Orphanet 284343, MedGen C3839822, MONDO:0100216.
Hereditary cancer-predisposing syndrome. Also called: Tumor predisposition; Hereditary neoplastic syndrome; Hereditary Cancer Syndrome; Neoplastic Syndromes, Hereditary. Identifiers: Orphanet 140162, MedGen C0027672, MeSH D009386, MONDO:0015356.

Submissions (6):

ClinGen DICER1 and miRNA-Processing Gene Variant Curation Expert Panel, ClinGen
Classification: Pathogenic for DICER1-related tumor predisposition. Last evaluated: 2022-05-18. Review status: reviewed by expert panel. Criteria: ClinGen DICER1 ACMG Specifications DICER1 v1. Collection method: curation. Allele origin: germline. Inheritance: Autosomal dominant inheritance.
Comment: The NM_177438.2:c.878_881del (p.Arg293fs) variant in DICER1 is a frameshift variant predicted to cause a premature stop codon in biologically-relevant-exon 7/27 leading to nonsense mediated decay in a gene in which loss-of-function is an established disease mechanism (PVS1). This variant received a total of 1 phenotype point across 1 proband meeting DICER1 VCEP phenotype specificity scoring criteria of 1-1.5 points (PS4_Supporting, PMID: 26925222). This individual was found to have a somatic second hit in a recognized DICER1 hotspot codon on tumor sequencing, which is highly specific for DICER1 syndrome (PP4, PMID: 26925222). This variant is absent from gnomAD v2.1.1 and v3.1.1 (non-cancer) (PM2_Supporting). In summary, this variant meets the criteria to be classified as PATHOGENIC for DICER1 syndrome based on the ACMG/AMP criteria applied, as specified by the ClinGen DICER1 VCEP: PVS1, PS4_Supporting, PP4, PM2_Supporting. (Bayesian Points: 11; VCEP specifications version 1; 02/11/2022)

GeneDx
Classification: Pathogenic. Last evaluated: 2025-02-14. Review status: criteria provided, single submitter. Criteria: GeneDx Variant Classification Process June 2021. Collection method: clinical testing. Allele origin: germline. Not counted in ClinVar's aggregate classification.
Comment: Frameshift variant predicted to result in protein truncation or nonsense mediated decay in a gene for which loss of function is a known mechanism of disease; Identified in patients with personal or family history of pleuropulmonary blastoma (PPB) referred for genetic testing at GeneDx and in published literature (PMID: 26925222); Not observed at significant frequency in large population cohorts (gnomAD); This variant is associated with the following publications: (PMID: Hatton[Article]2023, 26925222)

Labcorp Genetics (formerly Invitae), Labcorp
Classification: Pathogenic for DICER1-related tumor predisposition. Last evaluated: 2024-10-13. Review status: criteria provided, single submitter. Criteria: Invitae Variant Classification Sherloc (09022015). Collection method: clinical testing. Allele origin: germline. Not counted in ClinVar's aggregate classification.
Comment: This sequence change creates a premature translational stop signal (p.Arg293Ilefs*4) in the DICER1 gene. It is expected to result in an absent or disrupted protein product. Loss-of-function variants in DICER1 are known to be pathogenic (PMID: 19556464, 21266384). This variant is not present in population databases (gnomAD no frequency). This premature translational stop signal has been observed in individual(s) with DICER1-related conditions (PMID: 26925222). ClinVar contains an entry for this variant (Variation ID: 254355). For these reasons, this variant has been classified as Pathogenic.

Foulkes Cancer Genetics LDI, Lady Davis Institute for Medical Research
Classification: Pathogenic for Pleuropulmonary blastoma. Last evaluated: 2019-07-01. Review status: criteria provided, single submitter. Criteria: ACMG Guidelines, 2015. Collection method: curation. Allele origin: germline. Affected: yes. Observed: 1 variant allele. Not counted in ClinVar's aggregate classification.
Comment: ACMG criteria met: PVS1, PM2, PP1, PP4

International Pleuropulmonary Blastoma Registry, Children's Hospitals and Clinics of Minnesota
Classification: Pathogenic for Pleuropulmonary blastoma. Last evaluated: 2014-11-10. Review status: criteria provided, single submitter. Criteria: Hill et al. (Science. 2009). Collection method: clinical testing. Allele origin: germline. Affected: yes. Study: PPB-DICER1 Genetic study. Not counted in ClinVar's aggregate classification.

Ambry Genetics
Classification: Pathogenic for Hereditary cancer-predisposing syndrome. Last evaluated: 2012-07-09. Review status: criteria provided, single submitter. Criteria: Ambry Autosomal Dominant and X-Linked criteria (10/2015). Collection method: clinical testing. Allele origin: germline. Observed: 1 variant allele. Not counted in ClinVar's aggregate classification.
Comment: This alteration is expected to result in loss of function by premature protein truncation or nonsense-mediatedâ€¯mRNAâ€¯decay.â€¯As such, this alteration is interpreted as a disease-causing mutation.

Literature cited by the submitters: PubMed 19556464 (cited by Labcorp Genetics (formerly Invitae), Labcorp); PubMed 21266384 (cited by Labcorp Genetics (formerly Invitae), Labcorp); PubMed 26925222 (cited by 3 submitters).

NM_177438.3(DICER1):c.878_881del (p.Arg293fs)

Gene: DICER1 (dicer 1, ribonuclease III; minus strand). Cytogenetic location: 14q32.13.
Variant type: Deletion.
Coding change: c.878_881del on transcript NM_177438.3 (MANE Select); coding-DNA positions 878 to 881, 4 bases deleted (GAGA; older notation c.878_881delGAGA).
Protein change: p.Arg293fs; shifts the reading frame from arginine 293.
Molecular consequence: frameshift variant.
Genome position (GRCh38, 1-based): chr14:95,126,602-95,126,605, TCTC deleted on the plus strand (GAGA on the coding strand, the reverse complement: DICER1 is on the minus strand); deleting any 4 consecutive bases within chr14:95,126,602-95,126,606 gives the same sequence; the c. name uses the placement nearest the transcript's 3' end. VCF-style (leftmost placement, unchanged base first): chr14-95126601-ATCTC-A. GRCh37 (hg19) VCF-style: chr14-95592938-ATCTC-A.
Other names: NM_030621.4(DICER1):c.878_881del; p.Arg293fs; c.878_881del (NM_177438.2); c.878_881delGAGA (NM_177438.2); c.878_881del, p.Arg293fs (NM_001195573.1, NM_001271282.3, NM_001291628.2 and 1 more transcripts); short protein forms R293fs.
Identifiers: ClinVar variation 254355 (VCV000254355.12), dbSNP rs886037733, ClinGen allele CA10586464.